The following is an entry in ClinVar:

ClinVar aggregate classification (germline): Conflicting classifications of pathogenicity. Review status: criteria provided, conflicting classifications (1 of 4 stars). 2 submissions from 2 submitters: Likely pathogenic (1); Uncertain significance (1). Last evaluated 2025-02-04.

Conditions:
Hereditary cancer-predisposing syndrome. Also called: Hereditary Cancer Syndrome; Hereditary neoplastic syndrome; Tumor predisposition; Neoplastic Syndromes, Hereditary. Identifiers: Orphanet 140162, MedGen C0027672, MeSH D009386, MONDO:0015356.

Submissions (2):

Ambry Genetics
Classification: Likely pathogenic for Hereditary cancer-predisposing syndrome. Last evaluated: 2025-02-04. Review status: criteria provided, single submitter. Criteria: Ambry Variant Classification Scheme 2023. Collection method: clinical testing. Allele origin: germline.
Comment: The c.738G>C variant (also known as p.Q246H), located in coding exon 5 of the FH gene, results from a G to C substitution at nucleotide position 738. The amino acid change results in glutamine to histidine at codon 246, an amino acid with highly similar properties. However, this change occurs in the last base pair of coding exon 5, which makes it likely to have some effect on normal mRNA splicing. RNA studies have demonstrated that this alteration results in abnormal splicing in the set of samples tested (Ambry internal data). This variant was reported in individual(s) with features consistent with Hereditary leiomyomatosis and renal cell cancer (Ambry internal data). This variant has been associated with reduced FH enzyme activity levels (Muller M et al. Clin Genet, 2017 Dec;92:606-615). This nucleotide position is highly conserved in available vertebrate species. In silico splice site analysis predicts that this alteration will weaken the native splice donor site and will result in the creation or strengthening of a novel splice donor site. Based on the majority of available evidence to date, this variant is likely to be pathogenic.

Labcorp Genetics (formerly Invitae), Labcorp
Classification: Uncertain significance. Last evaluated: 2021-11-15. Review status: criteria provided, single submitter. Criteria: Invitae Variant Classification Sherloc (09022015). Collection method: clinical testing. Allele origin: germline.
Comment: Experimental studies have shown that this missense change affects FH function (PMID: 28300276). In summary, the available evidence is currently insufficient to determine the role of this variant in disease. Therefore, it has been classified as a Variant of Uncertain Significance. Variants that disrupt the consensus splice site are a relatively common cause of aberrant splicing (PMID: 17576681, 9536098). Algorithms developed to predict the effect of sequence changes on RNA splicing suggest that this variant may disrupt the consensus splice site. Algorithms developed to predict the effect of missense changes on protein structure and function are either unavailable or do not agree on the potential impact of this missense change (SIFT: "Deleterious"; PolyPhen-2: "Probably Damaging"; Align-GVGD: "Class C15"). This missense change has been observed in individual(s) with hereditary leiomyomatosis and renal cell cancer (PMID: 28300276). This variant is not present in population databases (gnomAD no frequency). This sequence change replaces glutamine, which is neutral and polar, with histidine, which is basic and polar, at codon 246 of the FH protein (p.Gln246His). This variant also falls at the last nucleotide of exon 5, which is part of the consensus splice site for this exon.

Literature cited by the submitters: PubMed 28300276 (cited by Ambry Genetics and Labcorp Genetics (formerly Invitae), Labcorp); PubMed 17576681 (cited by Labcorp Genetics (formerly Invitae), Labcorp); PubMed 9536098 (cited by Labcorp Genetics (formerly Invitae), Labcorp).

NM_000143.4(FH):c.738G>C (p.Gln246His)

Gene: FH (fumarate hydratase; minus strand). Cytogenetic location: 1q43.
Variant type: single nucleotide variant.
Coding change: c.738G>C on transcript NM_000143.4 (MANE Select); coding-DNA position 738, G replaced by C.
Protein change: p.Gln246His; replaces glutamine 246 with histidine.
Molecular consequence: missense variant.
Genome position (GRCh38, 1-based): chr1:241,508,603, C>G on the plus strand (G>C on the coding strand, the complement: FH is on the minus strand). VCF-style: chr1-241508603-C-G. GRCh37 (hg19) VCF-style: chr1-241671903-C-G.
Other names: short protein forms Q246H.
Identifiers: ClinVar variation 1398226 (VCV001398226.9), dbSNP rs2147919372, ClinGen allele CA345439142.